The following is an entry in ClinVar:

ClinVar aggregate classification (germline): Uncertain significance (1 of 4 stars; one submission).

Conditions:
Norman-Roberts syndrome (LIS2). Also called: Lissencephaly 2 (Norman-Roberts type). Identifiers: Orphanet 89844, MedGen C0796089, MONDO:0009760, OMIM 257320.
Familial temporal lobe epilepsy 7. Identifiers: Orphanet 101046, MedGen C4225327, MONDO:0014639, OMIM 616436.

Allele frequency attached by ClinVar (database versions not stated): gnomAD exomes below 0.00001; TOPMed below 0.00001; gnomAD 0.00001.
gnomAD v4.1: 2 of 1,342,236 alleles (0.00015%); highest among the groups gnomAD compares: East Asian, 0.0065%; no homozygotes.

Submission:

Labcorp Genetics (formerly Invitae), Labcorp
Classification: Uncertain significance for Familial temporal lobe epilepsy 7; Norman-Roberts syndrome. Last evaluated: 2022-05-17. Review status: criteria provided, single submitter. Criteria: Invitae Variant Classification Sherloc (09022015). Collection method: clinical testing. Allele origin: germline.
Comment: This sequence change replaces glutamic acid, which is acidic and polar, with glycine, which is neutral and non-polar, at codon 2 of the RELN protein (p.Glu2Gly). In summary, the available evidence is currently insufficient to determine the role of this variant in disease. Therefore, it has been classified as a Variant of Uncertain Significance. Algorithms developed to predict the effect of missense changes on protein structure and function output the following: SIFT: "Deleterious"; PolyPhen-2: "Benign"; Align-GVGD: "Class C0". The glycine amino acid residue is found in multiple mammalian species, which suggests that this missense change does not adversely affect protein function. This variant has not been reported in the literature in individuals affected with RELN-related conditions. This variant is not present in population databases (gnomAD no frequency).

NM_005045.4(RELN):c.5A>G (p.Glu2Gly)

Gene: RELN (reelin; minus strand). Cytogenetic location: 7q22.1.
Variant type: single nucleotide variant.
Coding change: c.5A>G on transcript NM_005045.4 (MANE Select); coding-DNA position 5, A replaced by G.
Protein change: p.Glu2Gly; replaces glutamic acid 2 with glycine.
Molecular consequence: missense variant.
Genome position (GRCh38, 1-based): chr7:103,989,352, T>C on the plus strand (A>G on the coding strand, the complement: RELN is on the minus strand). VCF-style: chr7-103989352-T-C. GRCh37 (hg19) VCF-style: chr7-103629799-T-C.
Other names: c.5A>G, p.Glu2Gly (NM_173054.3); short protein forms E2G.
Identifiers: ClinVar variation 2190052 (VCV002190052.4), dbSNP rs751188993, ClinGen allele CA4422746.